The following is an entry in ClinVar:

ClinVar aggregate classification (germline): Uncertain significance. Review status: criteria provided, multiple submitters, no conflicts (2 of 4 stars). 4 submissions from 4 submitters: Uncertain significance (3). 1 of the submissions does not count toward it. Last evaluated 2026-03-01.

Conditions:
Fanconi anemia complementation group G. Also called: FANCG-Related Fanconi Anemia; Fanconi anemia group G. Identifiers: Orphanet 84, MedGen C3469527, MONDO:0013565, OMIM 614082.

Allele frequency attached by ClinVar (database versions not stated): gnomAD 0.00013 and 0.00014; ExAC 0.00002; gnomAD exomes 0.00008; TOPMed 0.00009.
gnomAD v4.1: 52 of 1,613,908 alleles (0.0032%); highest among the groups gnomAD compares: Admixed American, 0.058%; no homozygotes.

Submissions (4):

GeneDx
Classification: Uncertain significance. Last evaluated: 2026-03-01. Review status: criteria provided, single submitter. Criteria: GeneDx Variant Classification Process June 2021. Collection method: clinical testing. Allele origin: germline.
Comment: Nucleotide is not conserved across species and the substitution has no predicted effect on splicing; Alters the Kozak sequence, which plays a major role in the initiation of translation; Has not been previously published as pathogenic or benign to our knowledge; This variant is associated with the following publications: (PMID: 24728327)

Fulgent Genetics
Classification: Uncertain significance for Fanconi anemia complementation group G. Last evaluated: 2024-03-28. Review status: criteria provided, single submitter. Criteria: ACMG Guidelines, 2015. Collection method: clinical testing. Allele origin: germline.

Illumina Laboratory Services, Illumina
Classification: Uncertain significance for Fanconi anemia complementation group G. Last evaluated: 2017-04-27. Review status: criteria provided, single submitter. Criteria: ICSL Variant Classification Criteria 13 December 2019. Collection method: clinical testing. Allele origin: germline.

ITMI
No classification provided. Condition: AllHighlyPenetrant. Last evaluated: 2013-09-19. Review status: no classification provided. Collection method: reference population. Allele origin: germline. Not counted in ClinVar's aggregate classification.
Comment: Please see associated publication for description of ethnicities

Literature cited by the submitters: PubMed 24728327 (cited by ITMI).

NM_004629.2(FANCG):c.-1C>T

Gene: FANCG (FA complementation group G; minus strand). Cytogenetic location: 9p13.3.
Variant type: single nucleotide variant.
Coding change: c.-1C>T on transcript NM_004629.2 (MANE Select); 1 bases upstream of the start codon, C replaced by T.
Molecular consequence: 5 prime UTR variant.
Genome position (GRCh38, 1-based): chr9:35,079,525, G>A on the plus strand (C>T on the coding strand, the complement: FANCG is on the minus strand). VCF-style: chr9-35079525-G-A. GRCh37 (hg19) VCF-style: chr9-35079522-G-A.
Identifiers: ClinVar variation 135544 (VCV000135544.9), dbSNP rs587777946, ClinGen allele CA163001.
Genomic context (GRCh38, chr9:35,079,525, plus strand): 5'-ATTCTTTTCCCTCCACAGGTCCAGGCAGCTGGAGCCCACAGAGGTGGTCTGGCGGGACAT[G>A]GTGGCCGAGGCTGGGCCCGGAGACCAGAAGCGGACTTAGGAAGGGTGAAGCTGGCCTGCC-3'